The following is an entry in ClinVar:

ClinVar aggregate classification (germline): Uncertain significance (1 of 4 stars; one submission).

Allele frequency attached by ClinVar (database versions not stated): gnomAD exomes 0.00001; gnomAD 0.00003; ExAC 0.00005; TOPMed 0.00006; 1000 Genomes Project 30x 0.00021; 1000 Genomes Project 0.00026.
gnomAD v4.1: 53 of 1,206,465 alleles (0.0044%); highest among the groups gnomAD compares: East Asian, 0.047%; 1 homozygote.

Submission:

Labcorp Genetics (formerly Invitae), Labcorp
Classification: Uncertain significance. Last evaluated: 2022-09-26. Review status: criteria provided, single submitter. Criteria: Invitae Variant Classification Sherloc (09022015). Collection method: clinical testing. Allele origin: germline.
Comment: This sequence change replaces leucine, which is neutral and non-polar, with isoleucine, which is neutral and non-polar, at codon 1624 of the BCORL1 protein (p.Leu1624Ile). This variant is present in population databases (rs775454892, gnomAD 0.05%). This variant has not been reported in the literature in individuals affected with BCORL1-related conditions. Algorithms developed to predict the effect of missense changes on protein structure and function are either unavailable or do not agree on the potential impact of this missense change (SIFT: "Deleterious"; PolyPhen-2: "Possibly Damaging"; Align-GVGD: "Class C0"). In summary, the available evidence is currently insufficient to determine the role of this variant in disease. Therefore, it has been classified as a Variant of Uncertain Significance.

NM_001379451.1(BCORL1):c.5092C>A (p.Leu1698Ile)

Gene: BCORL1 (BCL6 corepressor like 1; plus strand). Cytogenetic location: Xq26.1.
Variant type: single nucleotide variant.
Coding change: c.5092C>A on transcript NM_001379451.1 (MANE Select); coding-DNA position 5092, C replaced by A.
Protein change: p.Leu1698Ile; replaces leucine 1698 with isoleucine.
Molecular consequence: missense variant.
Genome position (GRCh38, 1-based): chrX:130,055,870, C>A. VCF-style: chrX-130055870-C-A. GRCh37 (hg19) VCF-style: chrX-129189845-C-A.
Other names: c.5092C>A, p.Leu1698Ile (NM_001184772.3, NM_001379450.1); c.4870C>A, p.Leu1624Ile (NM_021946.5); short protein forms L1624I, L1698I.
Identifiers: ClinVar variation 2040633 (VCV002040633.1), dbSNP rs775454892, ClinGen allele CA10514817.